The following is an entry in ClinVar:

NM_001355436.2(SPTB):c.5101G>A (p.Asp1701Asn)

Gene: SPTB (spectrin beta, erythrocytic; minus strand). Cytogenetic location: 14q23.3.
Variant type: single nucleotide variant.
Coding change: c.5101G>A on transcript NM_001355436.2 (MANE Select); coding-DNA position 5101, G replaced by A.
Protein change: p.Asp1701Asn; replaces aspartic acid 1701 with asparagine.
Molecular consequence: missense variant.
Genome position (GRCh38, 1-based): chr14:64,773,297, C>T on the plus strand (G>A on the coding strand, the complement: SPTB is on the minus strand). VCF-style: chr14-64773297-C-T. GRCh37 (hg19) VCF-style: chr14-65240015-C-T.
Other names: c.5101G>A, p.Asp1701Asn (NM_001024858.4, NM_001355437.2); short protein forms D1701N.
Identifiers: ClinVar variation 2436431 (VCV002436431.5), dbSNP rs369208136, ClinGen allele CA7230069.
Genomic context (GRCh38, chr14:64,773,297, plus strand): 5'-CTTGCCCCATTTCCGGGGAAGAGGCCACTAGCTCCTTTTCTGAAATCCACTGCTCCAGGT[C>T]GTCGGTCTCCCGCTTGAGCTGGAACAGGTGGTACATGTTCTCCAGCTTGCGCTTGCGCTC-3'
Protein context (NP_001342365.1, residues 1691-1711): HLFQLKRETD[Asp1701Asn]LEQWISEKEL

ClinVar aggregate classification (germline): Uncertain significance. Review status: criteria provided, multiple submitters, no conflicts (2 of 4 stars). 2 submissions from 2 submitters: Uncertain significance (2). Last evaluated 2026-01-20.

Allele frequency attached by ClinVar (database versions not stated): 1000 Genomes Project 0.00020; 1000 Genomes Project 30x 0.00031.
gnomAD v4.1: 150 of 1,614,192 alleles (0.0093%); highest among the groups gnomAD compares: Middle Eastern, 0.016%; no homozygotes.

Submissions (2):

Labcorp Genetics (formerly Invitae), Labcorp
Classification: Uncertain significance. Last evaluated: 2026-01-20. Review status: criteria provided, single submitter. Criteria: Invitae Variant Classification Sherloc (09022015). Collection method: clinical testing. Allele origin: germline.
Comment: This sequence change replaces aspartic acid, which is acidic and polar, with asparagine, which is neutral and polar, at codon 1701 of the SPTB protein (p.Asp1701Asn). This variant is present in population databases (rs369208136, gnomAD 0.02%). This variant has not been reported in the literature in individuals affected with SPTB-related conditions. ClinVar contains an entry for this variant (Variation ID: 2436431). An algorithm developed to predict the effect of missense changes on protein structure and function (PolyPhen-2) suggests that this variant is likely to be disruptive. In summary, the available evidence is currently insufficient to determine the role of this variant in disease. Therefore, it has been classified as a Variant of Uncertain Significance.

Revvity Omics, Revvity
Classification: Uncertain significance. Last evaluated: 2025-01-07. Review status: criteria provided, single submitter. Criteria: ACMG Guidelines, 2015. Collection method: clinical testing. Allele origin: germline.